The following is an entry in ClinVar:

NM_133433.4(NIPBL):c.878C>T (p.Pro293Leu)

Gene: NIPBL (NIPBL cohesin loading factor; plus strand). Cytogenetic location: 5p13.2.
Variant type: single nucleotide variant.
Coding change: c.878C>T on transcript NM_133433.4 (MANE Select); coding-DNA position 878, C replaced by T.
Protein change: p.Pro293Leu; replaces proline 293 with leucine.
Molecular consequence: missense variant.
Genome position (GRCh38, 1-based): chr5:36,975,785, C>T. VCF-style: chr5-36975785-C-T. GRCh37 (hg19) VCF-style: chr5-36975887-C-T.
Other names: c.878C>T, p.Pro293Leu (NM_015384.5); short protein forms P293L.
Identifiers: ClinVar variation 1723591 (VCV001723591.2), dbSNP rs2479122681, ClinGen allele CA359482174.

ClinVar aggregate classification (germline): Uncertain significance (1 of 4 stars; one submission).

Submission:

GeneDx
Classification: Uncertain significance. Last evaluated: 2022-05-14. Review status: criteria provided, single submitter. Criteria: GeneDx Variant Classification Process June 2021. Collection method: clinical testing. Allele origin: germline. Affected: yes.
Comment: Not observed at significant frequency in large population cohorts (gnomAD); In silico analysis supports that this missense variant does not alter protein structure/function; Has not been previously published as pathogenic or benign to our knowledge